The following is an entry in ClinVar:

ClinVar aggregate classification (germline): Uncertain significance (1 of 4 stars; one submission).

Conditions:
Common variable immunodeficiency (CVID). Also called: Common variable hypogamma-globulinemia; Common variable agammaglobulinemia. Identifiers: Orphanet 1572, MedGen C0009447, MONDO:0015517.

Allele frequency attached by ClinVar (database versions not stated): ExAC 0.00006; gnomAD exomes 0.00006; TOPMed 0.00014; gnomAD 0.00015 and 0.00016; 1000 Genomes Project 0.00040; 1000 Genomes Project 30x 0.00047.
gnomAD v4.1: 53 of 1,558,966 alleles (0.0034%); highest among the groups gnomAD compares: African/African-American, 0.041%; no homozygotes.

Submission:

Labcorp Genetics (formerly Invitae), Labcorp
Classification: Uncertain significance for Common variable immunodeficiency. Last evaluated: 2025-10-23. Review status: criteria provided, single submitter. Criteria: Invitae Variant Classification Sherloc (09022015). Collection method: clinical testing. Allele origin: germline.
Comment: This sequence change replaces arginine, which is basic and polar, with histidine, which is basic and polar, at codon 148 of the TNFSF12 protein (p.Arg148His). The frequency data for this variant in the population databases is considered unreliable, as metrics indicate poor data quality at this position in the gnomAD database. This variant has not been reported in the literature in individuals affected with TNFSF12-related conditions. ClinVar contains an entry for this variant (Variation ID: 640807). An algorithm developed to predict the effect of missense changes on protein structure and function outputs the following: PolyPhen-2: "Benign". The histidine amino acid residue is found in multiple mammalian species, which suggests that this missense change does not adversely affect protein function. In summary, the available evidence is currently insufficient to determine the role of this variant in disease. Therefore, it has been classified as a Variant of Uncertain Significance.

NM_003809.3(TNFSF12):c.443G>A (p.Arg148His)

Genes: TNFSF12 (TNF superfamily member 12; plus strand), TNFSF12-TNFSF13 (TNFSF12-TNFSF13 readthrough; plus strand). Cytogenetic location: 17p13.1.
Variant type: single nucleotide variant.
Coding change: c.443G>A on transcript NM_003809.3 (MANE Select); coding-DNA position 443, G replaced by A.
Protein change: p.Arg148His; replaces arginine 148 with histidine.
Molecular consequence: missense variant. On other transcripts: non-coding transcript variant (1).
Genome position (GRCh38, 1-based): chr17:7,556,847, G>A. VCF-style: chr17-7556847-G-A. GRCh37 (hg19) VCF-style: chr17-7460164-G-A.
Other names: c.443G>A, p.Arg148His (NM_172089.4); short protein forms R148H.
Identifiers: ClinVar variation 640807 (VCV000640807.9), dbSNP rs200059075, ClinGen allele CA8350834.